The following is an entry in ClinVar:

NM_001198950.3(MYO16):c.4983C>G (p.Pro1661=)

Gene: MYO16 (myosin XVI; plus strand). Cytogenetic location: 13q33.3.
Variant type: single nucleotide variant.
Coding change: c.4983C>G on transcript NM_001198950.3 (MANE Select); coding-DNA position 4983, C replaced by G.
Protein change: p.Pro1661=; no amino-acid change (proline 1661 retained).
Molecular consequence: synonymous variant.
Genome position (GRCh38, 1-based): chr13:109,141,195, C>G. VCF-style: chr13-109141195-C-G. GRCh37 (hg19) VCF-style: chr13-109793543-C-G.
Other names: c.4917C>G, p.Pro1639= (NM_015011.3).
Identifiers: ClinVar variation 4979871 (VCV004979871.1).

ClinVar aggregate classification (germline): Likely benign (1 of 4 stars; one submission).

Conditions:
MYO16-related disorder. Also called: MYO16-related condition.

gnomAD v4.1: 26 of 1,607,292 alleles (0.0016%); highest among the groups gnomAD compares: East Asian, 0.025%; no homozygotes.

Submission:

PreventionGenetics, part of Exact Sciences
Classification: Likely benign for MYO16-related condition. Last evaluated: 2026-07-31. Review status: criteria provided, single submitter. Criteria: ACMG Guidelines, 2015. Collection method: clinical testing. Allele origin: germline.
Comment: This variant is classified as likely benign based on ACMG/AMP sequence variant interpretation guidelines (Richards et al. 2015 PMID: 25741868, with internal and published modifications).